The following is an entry in ClinVar:

NM_001145250.2(SP9):c.334T>G (p.Ser112Ala)

Gene: SP9 (Sp9 transcription factor; plus strand). Cytogenetic location: 2q31.1.
Variant type: single nucleotide variant.
Coding change: c.334T>G on transcript NM_001145250.2 (MANE Select); coding-DNA position 334, T replaced by G.
Protein change: p.Ser112Ala; replaces serine 112 with alanine.
Molecular consequence: missense variant.
Genome position (GRCh38, 1-based): chr2:174,336,419, T>G. VCF-style: chr2-174336419-T-G. GRCh37 (hg19) VCF-style: chr2-175201147-T-G.
Other names: short protein forms S112A.
Identifiers: ClinVar variation 3800093 (VCV003800093.3).

ClinVar aggregate classification (germline): Uncertain significance. Review status: criteria provided, multiple submitters, no conflicts (2 of 4 stars). 2 submissions from 2 submitters: Uncertain significance (2). Last evaluated 2025-11-10.

Conditions:
SP9-related neurodevelopmental disorder with/without epileptic encephalopathy.

gnomAD v4.1: 3 of 1,470,784 alleles (0.0002%); highest among the groups gnomAD compares: Non-Finnish European, 0.000089%; no homozygotes.

Submissions (2):

Dasa
Classification: Uncertain significance for SP9-related neurodevelopmental disorder with/without epileptic encephalopathy. Last evaluated: 2025-11-10. Review status: criteria provided, single submitter. Criteria: DASA Assertion Criteria. Collection method: clinical testing. Allele origin: germline.
Comment: NM_001145250.2(SP9):c.334T>G (p.Ser112Ala) is a missense variant that results in the substitution of serine with alanine. This variant is rare in population databases. Computational prediction algorithms are consistent with a benign effect. The currently available literature and clinical evidence are not sufficient to establish a definitive association between this variant and the reported condition. Therefore, this variant is classified as a variant of uncertain significance.

Ambry Genetics
Classification: Uncertain significance. Last evaluated: 2024-12-30. Review status: criteria provided, single submitter. Criteria: Ambry Variant Classification Scheme 2023. Collection method: clinical testing. Allele origin: germline.